The following is an entry in ClinVar:

NM_006019.4(TCIRG1):c.1320_1321del (p.Phe441fs)

Gene: TCIRG1 (T cell immune regulator 1, ATPase H+ transporting V0 subunit a3; plus strand). Cytogenetic location: 11q13.2.
Variant type: Deletion.
Coding change: c.1320_1321del on transcript NM_006019.4 (MANE Select); coding-DNA positions 1320 to 1321, 2 bases deleted (CT; older notation c.1320_1321delCT).
Protein change: p.Phe441fs; shifts the reading frame from phenylalanine 441.
Molecular consequence: frameshift variant.
Genome position (GRCh38, 1-based): chr11:68,047,661-68,047,662, CT deleted; deleting any 2 consecutive bases within chr11:68,047,660-68,047,662 gives the same sequence; the c. name uses the placement nearest the transcript's 3' end. VCF-style (leftmost placement, unchanged base first): chr11-68047659-TTC-T. GRCh37 (hg19) VCF-style: chr11-67815126-TTC-T.
Other names: c.426_427del, p.Phe143fs (NM_001351059.2); c.672_673del, p.Phe225fs (NM_006053.4); short protein forms F441fs, F143fs, F225fs.
Identifiers: ClinVar variation 1454681 (VCV001454681.7), dbSNP rs2134455003, ClinGen allele CA2573147495.

ClinVar aggregate classification (germline): Pathogenic/Likely pathogenic. Review status: criteria provided, multiple submitters, no conflicts (2 of 4 stars). 2 submissions from 2 submitters: Pathogenic (1); Likely pathogenic (1). Last evaluated 2024-02-21.

Conditions:
Autosomal recessive osteopetrosis 1. Also called: ALBERS-SCHONBERG DISEASE, AUTOSOMAL RECESSIVE; TCIRG1-Related Osteopetrosis; TCIRG1-Related Autosomal Recessive Osteopetrosis. Identifiers: Orphanet 667, MedGen C1850127, MONDO:0009815, OMIM 259700.

Submissions (2):

Baylor Genetics
Classification: Likely pathogenic for Autosomal recessive osteopetrosis 1. Last evaluated: 2024-02-21. Review status: criteria provided, single submitter. Criteria: ACMG Guidelines, 2015. Collection method: clinical testing. Allele origin: unknown.

Labcorp Genetics (formerly Invitae), Labcorp
Classification: Pathogenic. Last evaluated: 2021-11-25. Review status: criteria provided, single submitter. Criteria: Invitae Variant Classification Sherloc (09022015). Collection method: clinical testing. Allele origin: germline.
Comment: This sequence change creates a premature translational stop signal (p.Phe441Glnfs*48) in the TCIRG1 gene. It is expected to result in an absent or disrupted protein product. Loss-of-function variants in TCIRG1 are known to be pathogenic (PMID: 10888887, 10942435, 11532986, 19448635). This variant is not present in population databases (gnomAD no frequency). This variant has not been reported in the literature in individuals affected with TCIRG1-related conditions. For these reasons, this variant has been classified as Pathogenic.

Literature cited by the submitters: PubMed 10888887 (cited by Labcorp Genetics (formerly Invitae), Labcorp); PubMed 10942435 (cited by Labcorp Genetics (formerly Invitae), Labcorp); PubMed 11532986 (cited by Labcorp Genetics (formerly Invitae), Labcorp); PubMed 19448635 (cited by Labcorp Genetics (formerly Invitae), Labcorp).